The following is an entry in ClinVar:

NM_000625.4(NOS2):c.2888+10C>G

Gene: NOS2 (nitric oxide synthase 2; minus strand). Cytogenetic location: 17q11.2.
Variant type: single nucleotide variant.
Coding change: c.2888+10C>G on transcript NM_000625.4 (MANE Select); 10 bases into the intron after coding-DNA position 2888, C replaced by G.
Molecular consequence: intron variant.
Genome position (GRCh38, 1-based): chr17:27,761,134, G>C on the plus strand (C>G on the coding strand, the complement: NOS2 is on the minus strand). VCF-style: chr17-27761134-G-C. GRCh37 (hg19) VCF-style: chr17-26088160-G-C.
Identifiers: ClinVar variation 774516 (VCV000774516.5), dbSNP rs200387756, ClinGen allele CA8454262.
Genomic context (GRCh38, chr17:27,761,134, plus strand): 5'-CCCTCCCTTTCCTCCCGGAACTCCCAGGGGTCGGCGGCCCCACAGGGGACAGAGTGGAAG[G>C]GGTGCTTACTTCCGCACAAAGCAGGGCACTGGGTCTTGGGGCTTCAGGCTGTTGAGCCAT-3'

ClinVar aggregate classification (germline): Likely benign. Review status: criteria provided, single submitter (1 of 4 stars). 2 submissions from 2 submitters: Likely benign (1). 1 of the submissions does not count toward it. Last evaluated 2018-07-18.

Conditions:
NOS2-related disorder. Also called: NOS2-related condition.

Allele frequency attached by ClinVar (database versions not stated): gnomAD 0.00019; gnomAD exomes 0.00046; TOPMed 0.00050; ExAC 0.00053; ESP Exome Variant Server 0.00077.

Submissions (2):

Labcorp Genetics (formerly Invitae), Labcorp
Classification: Likely benign. Last evaluated: 2018-07-18. Review status: criteria provided, single submitter. Criteria: Invitae Variant Classification Sherloc (09022015). Collection method: clinical testing. Allele origin: germline.

PreventionGenetics, part of Exact Sciences
Classification: Likely benign for NOS2-related condition. Last evaluated: 2019-10-28. Review status: no assertion criteria provided. Collection method: clinical testing. Allele origin: germline. Not counted in ClinVar's aggregate classification.
Comment: This variant is classified as likely benign based on ACMG/AMP sequence variant interpretation guidelines (Richards et al. 2015 PMID: 25741868, with internal and published modifications).